The following is an entry in ClinVar:

ClinVar aggregate classification (germline): Uncertain significance. Review status: criteria provided, multiple submitters, no conflicts (2 of 4 stars). 2 submissions from 2 submitters: Uncertain significance (2). Last evaluated 2025-03-03.

Conditions:
Inborn genetic diseases. Identifiers: MedGen C0950123, MeSH D030342.

Allele frequency attached by ClinVar (database versions not stated): gnomAD exomes 0.00002; gnomAD 0.00003; ESP Exome Variant Server 0.00011; ExAC 0.00015.

Submissions (2):

Women's Health and Genetics/Laboratory Corporation of America, LabCorp
Classification: Uncertain significance. Last evaluated: 2025-03-03. Review status: criteria provided, single submitter. Criteria: LabCorp Variant Classification Summary - May 2015. Collection method: clinical testing. Allele origin: germline.
Comment: Variant summary: DSPP c.2836G>T (p.Asp946Tyr) results in a non-conservative amino acid change in the encoded protein sequence. Two of four in-silico tools predict a benign effect of the variant on protein function. The variant allele was found at a frequency of 2.6e-05 in 152176 control chromosomes (gnomAD). The available data on variant occurrences in the general population are insufficient to allow any conclusion about variant significance. To our knowledge, no occurrence of c.2836G>T in individuals affected with Dentinogenesis Imperfecta Type 2 and no experimental evidence demonstrating its impact on protein function have been reported. ClinVar contains an entry for this variant (Variation ID: 2231201). Based on the evidence outlined above, the variant was classified as uncertain significance.

Ambry Genetics
Classification: Uncertain significance for Inborn genetic diseases. Last evaluated: 2022-03-28. Review status: criteria provided, single submitter. Criteria: Ambry Variant Classification Scheme 2023. Collection method: clinical testing. Allele origin: germline.

NM_014208.3(DSPP):c.2836G>T (p.Asp946Tyr)

Genes: DMP1-AS1 (DMP1 and DSPP antisense RNA 1; minus strand), DSPP (dentin sialophosphoprotein; plus strand). Cytogenetic location: 4q22.1.
Variant type: single nucleotide variant.
Coding change: c.2836G>T on transcript NM_014208.3 (MANE Select); coding-DNA position 2836, G replaced by T.
Protein change: p.Asp946Tyr; replaces aspartic acid 946 with tyrosine.
Molecular consequence: missense variant.
Genome position (GRCh38, 1-based): chr4:87,615,498, G>T. VCF-style: chr4-87615498-G-T. GRCh37 (hg19) VCF-style: chr4-88536650-G-T.
Other names: short protein forms D946Y.
Identifiers: ClinVar variation 2231201 (VCV002231201.3), dbSNP rs370270012, ClinGen allele CA3001326.